The following is an entry in ClinVar:

ClinVar aggregate classification (germline): Pathogenic/Likely pathogenic. Review status: criteria provided, multiple submitters, no conflicts (2 of 4 stars). 10 submissions from 10 submitters: Pathogenic (3); Likely pathogenic (5). 2 of the submissions do not count toward it. Last evaluated 2026-01-27.

Conditions:
CHD7-related CHARGE syndrome. Identifiers: MedGen CN380413, MONDO:1010178, OMIM 214800.
TTPA-related disorder. Also called: TTPA-related condition.
Familial isolated deficiency of vitamin E (AVED). Also called: ATAXIA, FRIEDREICH-LIKE, WITH SELECTIVE VITAMIN E DEFICIENCY; Ataxia with isolated vitamin E deficiency. Identifiers: Orphanet 96, MedGen C1848533, MONDO:0010188, OMIM 277460.

Allele frequency attached by ClinVar (database versions not stated): ExAC 0.00002; gnomAD 0.00002 and 0.00003; gnomAD exomes 0.00002 and 0.00003.
gnomAD v4.1: 46 of 1,606,650 alleles (0.0029%); highest among the groups gnomAD compares: African/African-American, 0.004%; no homozygotes.

Submissions (12):

Labcorp Genetics (formerly Invitae), Labcorp
Classification: Pathogenic. Last evaluated: 2026-01-27. Review status: criteria provided, single submitter. Criteria: Invitae Variant Classification Sherloc (09022015). Collection method: clinical testing. Allele origin: germline.
Comment: This sequence change replaces arginine, which is basic and polar, with tryptophan, which is neutral and slightly polar, at codon 221 of the TTPA protein (p.Arg221Trp). This variant is present in population databases (rs35916840, gnomAD 0.01%). This missense change has been observed in individuals with ataxia with isolated vitamin E deficiency (PMID: 9463307, 31429931). It has also been observed to segregate with disease in related individuals. ClinVar contains an entry for this variant (Variation ID: 65597). An algorithm developed to predict the effect of missense changes on protein structure and function (PolyPhen-2) suggests that this variant is likely to be disruptive. Experimental studies have shown that this missense change affects TTPA function (PMID: 15065857). For these reasons, this variant has been classified as Pathogenic.

Variantyx, Inc.
Classification: Likely pathogenic for CHD7-related CHARGE syndrome. Last evaluated: 2025-12-18. Review status: criteria provided, single submitter. Criteria: Variantyx Assertion Criteria 2022. Collection method: clinical testing. Allele origin: germline. Inheritance: Autosomal recessive inheritance. Affected: no.
Comment: This is a nonsynonymous variant in the TTPA gene (OMIM: 600415). Pathogenic variants in this gene have been associated with autosomal recessive ataxia with isolated vitamin E deficiency. This variant has been identified in the homozygous state in at least 2 individuals reported in the published literature (PMID: 31429931, 9463307) (PM3). This variant lies within a known hotspot for pathogenic variants or a well-established critical functional domain of the TTPA protein (PMID: 14556008) (PM1). Functional studies have shown that this variant alters TTPA protein function (PMID: 16819822, 23599266) (PS3_Moderate), and multiple computational algorithms predict a deleterious effect for this variant (REVEL score: 0.866) (PP3). This variant has a 0.0040% maximum allele frequency in non-founder control populations (PM2). Based on the current evidence, this variant is classified as likely pathogenic for autosomal recessive ataxia with isolated vitamin E deficiency.

Fulgent Genetics
Classification: Likely pathogenic for Familial isolated deficiency of vitamin E. Last evaluated: 2024-06-22. Review status: criteria provided, single submitter. Criteria: ACMG Guidelines, 2015. Collection method: clinical testing. Allele origin: germline.

Blueprint Genetics
Classification: Likely pathogenic for TTPA-related disorders. Last evaluated: 2024-05-10. Review status: criteria provided, single submitter. Criteria: ACMG Guidelines, 2015. Collection method: clinical testing. Allele origin: germline. Affected: yes. Observed: 5 variant alleles.

Natera, Inc.
Classification: Likely pathogenic for Ataxia with isolated vitamin E deficiency. Last evaluated: 2024-03-29. Review status: criteria provided, single submitter. Criteria: Natera Variant Classification Schema (03/2026). Collection method: clinical testing. Allele origin: germline.
Comment: The c.661C>T variant in TTPA is a missense variant predicted to cause substitution of arginine to tryptophan at amino acid 221. This variant is rare in the general population with a frequency below the threshold expected for the associated phenotype(s). This variant has been observed in one or more individuals affected with the associated recessive disease, as either homozygous or compound heterozygous with a second variant (PMID: 38229626, 21228398). Functional studies show that this variant may disrupt protein function (PMID: 16819822). Computational prediction algorithms indicate this variant is likely to affect gene or protein function. Given the available evidence, this variant is classified as Likely Pathogenic.

Baylor Genetics
Classification: Likely pathogenic for Familial isolated deficiency of vitamin E. Last evaluated: 2024-02-15. Review status: criteria provided, single submitter. Criteria: ACMG Guidelines, 2015. Collection method: clinical testing. Allele origin: unknown.

Women's Health and Genetics/Laboratory Corporation of America, LabCorp
Classification: Pathogenic for Familial isolated deficiency of vitamin E. Last evaluated: 2022-04-07. Review status: criteria provided, single submitter. Criteria: LabCorp Variant Classification Summary - May 2015. Collection method: clinical testing. Allele origin: germline.
Comment: Variant summary: TTPA c.661C>T (p.Arg221Trp) results in a non-conservative amino acid change located in the CRAL-TRIO lipid binding domain of the encoded protein sequence. Five of five in-silico tools predict a damaging effect of the variant on protein function. The variant allele was found at a frequency of 2e-05 in 249258 control chromosomes. c.661C>T has been reported in the literature in at least three homozygous individuals with Ataxia With Vitamin E Deficiency and is reported in association with severe phenotype (Cavalier_1998, Shakya_2019). Functional studies have shown the variant to impair the ability of TTP to facilitate the secretion of vitamin E from cells and imparts a marked instability on the TTP protein (Qian_2006). Two clinical diagnostic laboratories have submitted clinical-significance assessments for this variant to ClinVar after 2014 without evidence for independent evaluation. One laboratory classified the variant as pathogenic and one laboratory classified the variant as uncertain significance. Based on the evidence outlined above, the variant was classified as pathogenic.

GeneDx
Classification: Pathogenic. Last evaluated: 2017-09-08. Review status: criteria provided, single submitter. Criteria: GeneDx Variant Classification (06012015). Collection method: clinical testing. Allele origin: germline. Affected: yes.
Comment: The R221W variant in the TTPA gene has been reported previously in the homozygous state in several related individuals with ataxia and vitamin E deficiency (AVED); one individual also had cardiomyopathy (Cavalier et al., 1998). The R221W variant is not observed at a significant frequency in large population cohorts (Lek et al., 2016; 1000 Genomes Consortium et al., 2015; Exome Variant Server). The R221W variant is a non-conservative amino acid substitution, which is likely to impact secondary protein structure as these residues differ in polarity, charge, size and/or other properties. This substitution occurs in a residue critical for phosphatidylinositol lipid binding, at a position that is conserved across species. Functional studies demonstrate the R221W variant caused marked instability of the TTPA protein which has impaired ability to facilitate transport of tocopherol out of the lysosomes (Qian et al., 2006). We interpret R221W as a pathogenic variant.

Counsyl
Classification: Uncertain significance for Familial isolated deficiency of vitamin E. Last evaluated: 2018-05-23. Review status: no assertion criteria provided. Collection method: clinical testing. Allele origin: unknown. Not counted in ClinVar's aggregate classification.

Dr. Peter K. Rogan Lab, Western University
No classification provided (evidence only). Condition: Gastric cancer. Review status: no classification provided. Collection method: in vitro. Allele origin: not applicable. Functional consequence: retained intron. Not counted in ClinVar's aggregate classification.

Dr. Peter K. Rogan Lab, Western University
No classification provided (evidence only). Condition: Malignant tumor of esophagus. Review status: no classification provided. Collection method: in vitro. Allele origin: not applicable. Functional consequence: retained intron. Not counted in ClinVar's aggregate classification.

GeneReviews
No classification provided. Condition: Familial isolated deficiency of vitamin E. Review status: no classification provided. Collection method: literature only. Allele origin: unknown. Not counted in ClinVar's aggregate classification.

Literature cited by the submitters: PubMed 9463307 (cited by 4 submitters); PubMed 31429931 (cited by 3 submitters); PubMed 15065857 (cited by Labcorp Genetics (formerly Invitae), Labcorp and Counsyl); PubMed 14556008 (cited by Variantyx, Inc.); PubMed 16819822 (cited by 4 submitters); PubMed 23599266 (cited by Variantyx, Inc.); PubMed 38229626 (cited by Natera, Inc.); PubMed 21228398 (cited by Natera, Inc. and Counsyl); PubMed 27307040 (cited by Counsyl); PubMed 20301419 (cited by GeneReviews); NCBI Bookshelf NBK1241 (cited by GeneReviews).

NM_000370.3(TTPA):c.661C>T (p.Arg221Trp)

Gene: TTPA (alpha tocopherol transfer protein; minus strand). Cytogenetic location: 8q12.3.
Variant type: single nucleotide variant.
Coding change: c.661C>T on transcript NM_000370.3 (MANE Select); coding-DNA position 661, C replaced by T.
Protein change: p.Arg221Trp; replaces arginine 221 with tryptophan.
Molecular consequence: missense variant.
Genome position (GRCh38, 1-based): chr8:63,064,208, G>A on the plus strand (C>T on the coding strand, the complement: TTPA is on the minus strand). VCF-style: chr8-63064208-G-A. GRCh37 (hg19) VCF-style: chr8-63976767-G-A.
Other names: short protein forms R221W.
Identifiers: ClinVar variation 65597 (VCV000065597.15), dbSNP rs35916840, ClinGen allele CA344923.